The following is an entry in ClinVar:

ClinVar aggregate classification (germline): Uncertain significance. Review status: criteria provided, multiple submitters, no conflicts (2 of 4 stars). 2 submissions from 2 submitters: Uncertain significance (2). Last evaluated 2024-01-10.

Conditions:
Intellectual developmental disorder, autosomal dominant 6, with or without seizures. Also called: GRIN2B-related developmental delay, intellectual disability and autism spectrum disorder; Intellectual disability, autosomal dominant 6. Identifiers: Orphanet 589547, MedGen C3151411, MONDO:0013509, OMIM 613970.
Developmental and epileptic encephalopathy, 27 (DEE27). Also called: Epileptic encephalopathy, early infantile, 27; GRIN2B-Related Neurodevelopmental Disorder. Identifiers: Orphanet 3451, MedGen C4015316, MONDO:0014505, OMIM 616139.

gnomAD v4.1: 8 of 1,614,200 alleles (0.0005%); highest among the groups gnomAD compares: Non-Finnish European, 0.00068%; no homozygotes.

Submissions (2):

Labcorp Genetics (formerly Invitae), Labcorp
Classification: Uncertain significance for Developmental and epileptic encephalopathy, 27; Intellectual developmental disorder, autosomal dominant 6, with or without seizures. Last evaluated: 2024-01-10. Review status: criteria provided, single submitter. Criteria: Invitae Variant Classification Sherloc (09022015). Collection method: clinical testing. Allele origin: germline.
Comment: This sequence change replaces arginine, which is basic and polar, with cysteine, which is neutral and slightly polar, at codon 1099 of the GRIN2B protein (p.Arg1099Cys). This variant is not present in population databases (gnomAD no frequency). This variant has not been reported in the literature in individuals affected with GRIN2B-related conditions. Advanced modeling of protein sequence and biophysical properties (such as structural, functional, and spatial information, amino acid conservation, physicochemical variation, residue mobility, and thermodynamic stability) performed at Invitae indicates that this missense variant is not expected to disrupt GRIN2B protein function with a negative predictive value of 95%. In summary, the available evidence is currently insufficient to determine the role of this variant in disease. Therefore, it has been classified as a Variant of Uncertain Significance.

Blueprint Genetics
Classification: Uncertain significance. Last evaluated: 2021-11-03. Review status: criteria provided, single submitter. Criteria: ACMG Guidelines, 2015. Collection method: clinical testing. Allele origin: germline.

NM_000834.5(GRIN2B):c.3295C>T (p.Arg1099Cys)

Gene: GRIN2B (glutamate ionotropic receptor NMDA type subunit 2B; minus strand). Cytogenetic location: 12p13.1.
Variant type: single nucleotide variant.
Coding change: c.3295C>T on transcript NM_000834.5 (MANE Select); coding-DNA position 3295, C replaced by T.
Protein change: p.Arg1099Cys; replaces arginine 1099 with cysteine.
Molecular consequence: missense variant.
Genome position (GRCh38, 1-based): chr12:13,563,943, G>A on the plus strand (C>T on the coding strand, the complement: GRIN2B is on the minus strand). VCF-style: chr12-13563943-G-A. GRCh37 (hg19) VCF-style: chr12-13716877-G-A.
Other names: c.3295C>T, p.Arg1099Cys (NM_001413992.1); short protein forms R1099C.
Identifiers: ClinVar variation 2937069 (VCV002937069.4), dbSNP rs201477697, ClinGen allele CA233133917.
Genomic context (GRCh38, chr12:13,563,943, plus strand): 5'-GGTCAGGGGAGCGGGGCGGTCGGCGACGGTAGGCCAGCTCGATCTCGTCAAACTCCCTGC[G>A]GGACTTGGCCGAGGCAGGCCGCTTCTTCAGGCTGTCCTTATATTGCTGCTTACGCCTCTT-3'
Protein context (NP_000825.2, residues 1089-1109): LKKRPASAKS[Arg1099Cys]REFDEIELAY